The following is an entry in ClinVar:

NM_004370.6(COL12A1):c.32C>T (p.Ala11Val)

Gene: COL12A1 (collagen type XII alpha 1 chain; minus strand). Cytogenetic location: 6q14.1.
Variant type: single nucleotide variant.
Coding change: c.32C>T on transcript NM_004370.6 (MANE Select); coding-DNA position 32, C replaced by T.
Protein change: p.Ala11Val; replaces alanine 11 with valine.
Molecular consequence: missense variant.
Genome position (GRCh38, 1-based): chr6:75,202,761, G>A on the plus strand (C>T on the coding strand, the complement: COL12A1 is on the minus strand). VCF-style: chr6-75202761-G-A. GRCh37 (hg19) VCF-style: chr6-75912477-G-A.
Other names: c.32C>T, p.Ala11Val (NM_080645.3); short protein forms A11V.
Identifiers: ClinVar variation 860736 (VCV000860736.30), dbSNP rs751589202, ClinGen allele CA3894537.

ClinVar aggregate classification (germline): Uncertain significance. Review status: criteria provided, multiple submitters, no conflicts (2 of 4 stars). 3 submissions from 3 submitters: Uncertain significance (3). Last evaluated 2025-08-11.

Conditions:
Bethlem myopathy 2 (BTHLM2). Identifiers: Orphanet 536516, Orphanet 610, MedGen C4225313, MONDO:0034022, OMIM 616471.
Ullrich congenital muscular dystrophy 2 (UCMD2). Identifiers: Orphanet 75840, MedGen C4225314, MONDO:0014654, OMIM 616470.

Allele frequency attached by ClinVar (database versions not stated): gnomAD 0.00001; gnomAD exomes 0.00001; TOPMed 0.00002; ExAC 0.00005.
gnomAD v4.1: 11 of 1,551,802 alleles (0.00071%); highest among the groups gnomAD compares: Non-Finnish European, 0.00087%; no homozygotes.

Submissions (3):

Labcorp Genetics (formerly Invitae), Labcorp
Classification: Uncertain significance for Bethlem myopathy 2; Ullrich congenital muscular dystrophy 2. Last evaluated: 2025-08-11. Review status: criteria provided, single submitter. Criteria: Invitae Variant Classification Sherloc (09022015). Collection method: clinical testing. Allele origin: germline.
Comment: This sequence change replaces alanine, which is neutral and non-polar, with valine, which is neutral and non-polar, at codon 11 of the COL12A1 protein (p.Ala11Val). The frequency data for this variant in the population databases is considered unreliable, as metrics indicate poor data quality at this position in the gnomAD database. This variant has not been reported in the literature in individuals affected with COL12A1-related conditions. ClinVar contains an entry for this variant (Variation ID: 860736). An algorithm developed to predict the effect of missense changes on protein structure and function (PolyPhen-2) suggests that this variant is likely to be disruptive. In summary, the available evidence is currently insufficient to determine the role of this variant in disease. Therefore, it has been classified as a Variant of Uncertain Significance.

CeGaT Center for Human Genetics Tuebingen
Classification: Uncertain significance. Last evaluated: 2025-06-01. Review status: criteria provided, single submitter. Criteria: CeGaT Center For Human Genetics Tuebingen Variant Classification Criteria Version 2. Collection method: clinical testing. Allele origin: germline. Affected: yes. Observed: 2 variant alleles.
Comment: COL12A1: PM2

GeneDx
Classification: Uncertain significance. Last evaluated: 2023-04-14. Review status: criteria provided, single submitter. Criteria: GeneDx Variant Classification Process June 2021. Collection method: clinical testing. Allele origin: germline. Affected: yes.
Comment: Has not been previously published as pathogenic or benign to our knowledge; Not observed at significant frequency in large population cohorts (gnomAD); In silico analysis supports that this missense variant does not alter protein structure/function